The following is an entry in ClinVar:

NM_021625.5(TRPV4):c.805C>A (p.Arg269Ser)

Gene: TRPV4 (transient receptor potential cation channel subfamily V member 4; minus strand). Cytogenetic location: 12q24.11.
Variant type: single nucleotide variant.
Coding change: c.805C>A on transcript NM_021625.5 (MANE Select); coding-DNA position 805, C replaced by A.
Protein change: p.Arg269Ser; replaces arginine 269 with serine.
Molecular consequence: missense variant. On other transcripts: intron variant (2).
Genome position (GRCh38, 1-based): chr12:109,800,666, G>T on the plus strand (C>A on the coding strand, the complement: TRPV4 is on the minus strand). VCF-style: chr12-109800666-G-T. GRCh37 (hg19) VCF-style: chr12-110238471-G-T.
Other names: c.703C>A, p.Arg235Ser (NM_001177431.2); c.805C>A, p.Arg269Ser (NM_147204.3); c.713-1754C>A (NM_001177433.1, NM_001177428.1); short protein forms R269S, R235S.
Identifiers: ClinVar variation 536867 (VCV000536867.7), dbSNP rs267607146, ClinGen allele CA386655325.

ClinVar aggregate classification (germline): Likely pathogenic (1 of 4 stars; one submission).

Conditions:
Charcot-Marie-Tooth disease axonal type 2C (HMSN2C). Also called: CHARCOT-MARIE-TOOTH DISEASE, AXONAL, AUTOSOMAL DOMINANT, TYPE 2C; Charcot-Marie-Tooth Neuropathy Type 2C; Charcot-Marie-Tooth Disease Type 2, TRPV4-Related (CMT2C). Identifiers: Orphanet 99937, MedGen C1853710, MONDO:0011633, OMIM 606071.

Submission:

Labcorp Genetics (formerly Invitae), Labcorp
Classification: Likely pathogenic for Charcot-Marie-Tooth disease axonal type 2C. Last evaluated: 2022-11-29. Review status: criteria provided, single submitter. Criteria: Invitae Variant Classification Sherloc (09022015). Collection method: clinical testing. Allele origin: germline.
Comment: ClinVar contains an entry for this variant (Variation ID: 536867). This missense change has been observed in individual(s) with TRPV4-related conditions (Invitae). This variant is not present in population databases (gnomAD no frequency). This sequence change replaces arginine, which is basic and polar, with serine, which is neutral and polar, at codon 269 of the TRPV4 protein (p.Arg269Ser). Advanced modeling of protein sequence and biophysical properties (such as structural, functional, and spatial information, amino acid conservation, physicochemical variation, residue mobility, and thermodynamic stability) performed at Invitae indicates that this missense variant is expected to disrupt TRPV4 protein function. In summary, the currently available evidence indicates that the variant is pathogenic, but additional data are needed to prove that conclusively. Therefore, this variant has been classified as Likely Pathogenic. This variant disrupts the p.Arg269 amino acid residue in TRPV4. Other variant(s) that disrupt this residue have been determined to be pathogenic (PMID: 20037586, 20037587, 20037588, 24789864, 25900305, 26110311). This suggests that this residue is clinically significant, and that variants that disrupt this residue are likely to be disease-causing.

Literature cited by the submitters: PubMed 20037586; PubMed 20037587; PubMed 20037588; PubMed 24789864; PubMed 25900305; PubMed 26110311.